The following is an entry in ClinVar:

ClinVar aggregate classification (germline): Uncertain significance (1 of 4 stars; one submission).

Allele frequency attached by ClinVar (database versions not stated): gnomAD 0.00001.
gnomAD v4.1: 1 of 1,613,490 alleles (0.000062%); highest among the groups gnomAD compares: African/African-American, 0.0013%; no homozygotes.

Submission:

Ambry Genetics
Classification: Uncertain significance. Last evaluated: 2022-05-01. Review status: criteria provided, single submitter. Criteria: Ambry Variant Classification Scheme 2023. Collection method: clinical testing. Allele origin: germline.
Comment: The p.R34W variant (also known as c.100C>T), located in coding exon 1 of the TERF2IP gene, results from a C to T substitution at nucleotide position 100. The arginine at codon 34 is replaced by tryptophan, an amino acid with dissimilar properties. This amino acid position is conserved. In addition, this alteration is predicted to be deleterious by in silico analysis. Since supporting evidence is limited at this time, the clinical significance of this alteration remains unclear.

NM_018975.4(TERF2IP):c.100C>T (p.Arg34Trp)

Gene: TERF2IP (TERF2 interacting protein; plus strand). Cytogenetic location: 16q23.1.
Variant type: single nucleotide variant.
Coding change: c.100C>T on transcript NM_018975.4 (MANE Select); coding-DNA position 100, C replaced by T.
Protein change: p.Arg34Trp; replaces arginine 34 with tryptophan.
Molecular consequence: missense variant. On other transcripts: non-coding transcript variant (1).
Genome position (GRCh38, 1-based): chr16:75,647,982, C>T. VCF-style: chr16-75647982-C-T. GRCh37 (hg19) VCF-style: chr16-75681880-C-T.
Other names: short protein forms R34W.
Identifiers: ClinVar variation 1796149 (VCV001796149.2), dbSNP rs2082313043, ClinGen allele CA396817231.